The following is an entry in ClinVar:

ClinVar aggregate classification (germline): Likely pathogenic (1 of 4 stars; one submission).

Conditions:
WDR19-related disorder. Also called: WDR19-related condition; WDR19-related disorders. Identifiers: MedGen CN380161.

Submission:

PreventionGenetics, part of Exact Sciences
Classification: Likely pathogenic for WDR19-related condition. Last evaluated: 2025-12-15. Review status: criteria provided, single submitter. Criteria: ACMG Guidelines, 2015. Collection method: clinical testing. Allele origin: germline.
Comment: The WDR19 c.1358_1361delTAGA variant is predicted to result in a frameshift and premature protein termination (p.Ile453Lysfs*30). To our knowledge, this variant has not been reported in the literature or in a large population database (gnomAD), indicating this variant is rare. Frameshift variants in WDR19 are expected to be pathogenic. This variant is interpreted as likely pathogenic.

NM_025132.3(WDR19):c.1358_1361delTAGA

Gene: WDR19 (WD repeat domain 19; plus strand). Cytogenetic location: 4p14.
Variant type: Microsatellite.
Coding change: c.1358_1361delTAGA on transcript NM_025132.3; coding-DNA positions 1358 to 1361, 4 bases deleted (TAGA).
Genome position (GRCh38, 1-based): chr4:39,217,984-39,217,987, TAGA deleted; deleting any 4 consecutive bases within chr4:39,217,980-39,217,987 gives the same sequence; the c. name uses the placement nearest the transcript's 3' end. VCF-style (leftmost placement, unchanged base first): chr4-39217979-TTAGA-T. GRCh37 (hg19) VCF-style: chr4-39219599-TTAGA-T.
Identifiers: ClinVar variation 4992601 (VCV004992601.1).
Genomic context (GRCh38, chr4:39,217,979, plus strand): 5'-TAGATGTTGTATAGATGGTTTACTCAAATAAATCTGTGAGCCATTATTATTCTTTACGTT[TTAGA>T]TAGAAAGCGAAATCTTGGATGCTCAAGAAGAACGTGAGACTCGGCTTTTCCCAGCAGTGG-3'